The following is an entry in ClinVar:

NM_001190274.2(FBXO11):c.592C>T (p.Arg198Ter)

Gene: FBXO11 (F-box protein 11; minus strand). Cytogenetic location: 2p16.3.
Variant type: single nucleotide variant.
Coding change: c.592C>T on transcript NM_001190274.2 (MANE Select); coding-DNA position 592, C replaced by T.
Protein change: p.Arg198Ter; replaces arginine 198 with a stop codon.
Molecular consequence: nonsense.
Genome position (GRCh38, 1-based): chr2:47,835,997, G>A on the plus strand (C>T on the coding strand, the complement: FBXO11 is on the minus strand). VCF-style: chr2-47835997-G-A. GRCh37 (hg19) VCF-style: chr2-48063136-G-A.
Other names: c.340C>T, p.Arg114Ter (NM_001374325.1, NM_025133.4); short protein forms R198*, R114*.
Identifiers: ClinVar variation 2288541 (VCV002288541.2), dbSNP rs2531223667, ClinGen allele CA346812433.

ClinVar aggregate classification (germline): Pathogenic (1 of 4 stars; one submission).

Conditions:
Inborn genetic diseases. Identifiers: MedGen C0950123, MeSH D030342.

Submission:

Ambry Genetics
Classification: Pathogenic for Inborn genetic diseases. Last evaluated: 2022-06-16. Review status: criteria provided, single submitter. Criteria: Ambry Variant Classification Scheme 2023. Collection method: clinical testing. Allele origin: germline.
Comment: The c.592C>T (p.R198*) alteration, located in exon 5 (coding exon 5) of the FBXO11 gene, consists of a C to T substitution at nucleotide position 592. This changes the amino acid from an arginine (R) to a stop codon at amino acid position 198. This alteration is expected to result in loss of function by premature protein truncation or nonsense-mediated mRNA decay. This variant was not reported in population-based cohorts in the Genome Aggregation Database (gnomAD). Based on the available evidence, this alteration is classified as pathogenic.